The following is an entry in ClinVar:

ClinVar aggregate classification (germline): Pathogenic (1 of 4 stars; one submission).

Conditions:
Anhidrotic ectodermal dysplasia. Identifiers: MedGen C1706004, HP:0007476.

Submission:

Women's Health and Genetics/Laboratory Corporation of America, LabCorp
Classification: Pathogenic for Anhidrotic ectodermal dysplasia. Last evaluated: 2026-05-18. Review status: criteria provided, single submitter. Criteria: LabCorp Variant Classification Summary - May 2015. Collection method: clinical testing. Allele origin: germline.
Comment: Variant summary: The variant involves the deletion of exons 3-8 in the EDA gene. A presumed nomenclature of c.(502+1_503-1)_(*3864_?)del has been designated for the purposes of this classification. The exact breakpoint at the distal 3' end of this variant is unknown, therefore this deletion may extend downstream of the annotated region of the gene. As it encompasses the termination codon, it is predicted to escape nonsense mediated decay (NMD). Loss-of-function variants in this gene are known to be pathogenic. The variant was absent in 16120 control chromosomes. c.(502+1_503-1)_(*3864_?)del has been observed in individuals affected with EDA-related conditions (example: Gros_2010, Li_2025). These data indicate that the variant is associated with disease. To our knowledge, no experimental evidence demonstrating an impact on protein function has been reported. The following publications have been ascertained in the context of this evaluation (PMID: 33179236, 20374512, 21357618, 41277651). ClinVar contains an entry for this variant (Variation ID: 458652). Based on the evidence outlined above, the variant was classified as pathogenic.

Literature cited by the submitters: PubMed 21357618; PubMed 20374512; PubMed 41277651; PubMed 33179236.

NC_000023.10:g.(69176983_69243067)_(69259323_?)del

Gene: EDA (ectodysplasin A; plus strand). Cytogenetic location: Xq13.1.
Variant type: Deletion.
Identifiers: ClinVar variation 4853013 (VCV004853013.1).